The following is an entry in ClinVar:

NM_015662.3(IFT172):c.5170A>G (p.Ser1724Gly)

Genes: IFT172 (intraflagellar transport 172; minus strand), KRTCAP3 (keratinocyte associated protein 3; plus strand). Cytogenetic location: 2p23.3.
Variant type: single nucleotide variant.
Coding change: c.5170A>G on transcript NM_015662.3 (MANE Select); coding-DNA position 5170, A replaced by G.
Protein change: p.Ser1724Gly; replaces serine 1724 with glycine.
Molecular consequence: missense variant. On other transcripts: intron variant (1).
Genome position (GRCh38, 1-based): chr2:27,444,512, T>C on the plus strand (A>G on the coding strand, the complement: IFT172 is on the minus strand). VCF-style: chr2-27444512-T-C. GRCh37 (hg19) VCF-style: chr2-27667379-T-C.
Other names: c.5104A>G, p.Ser1702Gly (NM_001410739.1); c.*5+451T>C (NM_001168364.2); short protein forms S1724G, S1702G.
Identifiers: ClinVar variation 1518728 (VCV001518728.7), dbSNP rs148800421, ClinGen allele CA346410135.

ClinVar aggregate classification (germline): Uncertain significance (1 of 4 stars; one submission).

Conditions:
Short-rib thoracic dysplasia 10 with or without polydactyly (SRTD10). Identifiers: Orphanet 474, MedGen C3810175, MONDO:0014284, OMIM 615630.
Retinitis pigmentosa 71 (RP71). Identifiers: Orphanet 791, MedGen C4225342, MONDO:0014618, OMIM 616394.

gnomAD v4.1: 1 of 1,613,520 alleles (0.000062%); highest among the groups gnomAD compares: Non-Finnish European, 0.000085%; no homozygotes.

Submission:

Labcorp Genetics (formerly Invitae), Labcorp
Classification: Uncertain significance for Retinitis pigmentosa 71; Short-rib thoracic dysplasia 10 with or without polydactyly. Last evaluated: 2021-09-12. Review status: criteria provided, single submitter. Criteria: Invitae Variant Classification Sherloc (09022015). Collection method: clinical testing. Allele origin: germline.
Comment: In summary, the available evidence is currently insufficient to determine the role of this variant in disease. Therefore, it has been classified as a Variant of Uncertain Significance. Algorithms developed to predict the effect of missense changes on protein structure and function (SIFT, PolyPhen-2, Align-GVGD) all suggest that this variant is likely to be tolerated. This variant has not been reported in the literature in individuals affected with IFT172-related conditions. This variant is not present in population databases (ExAC no frequency). This sequence change replaces serine with glycine at codon 1724 of the IFT172 protein (p.Ser1724Gly). The serine residue is moderately conserved and there is a small physicochemical difference between serine and glycine.